The following is an entry in ClinVar:

ClinVar aggregate classification (germline): Uncertain significance (1 of 4 stars; one submission).

Conditions:
Ullrich congenital muscular dystrophy 2 (UCMD2). Identifiers: Orphanet 75840, MedGen C4225314, MONDO:0014654, OMIM 616470.
Bethlem myopathy 2 (BTHLM2). Identifiers: Orphanet 536516, Orphanet 610, MedGen C4225313, MONDO:0034022, OMIM 616471.

Allele frequency attached by ClinVar (database versions not stated): gnomAD exomes below 0.00001; TOPMed below 0.00001.
gnomAD v4.1: 1 of 1,556,460 alleles (0.000064%); highest among the groups gnomAD compares: Non-Finnish European, 0.000087%; no homozygotes.

Submission:

Labcorp Genetics (formerly Invitae), Labcorp
Classification: Uncertain significance for Bethlem myopathy 2; Ullrich congenital muscular dystrophy 2. Last evaluated: 2023-10-09. Review status: criteria provided, single submitter. Criteria: Invitae Variant Classification Sherloc (09022015). Collection method: clinical testing. Allele origin: germline.
Comment: This sequence change replaces threonine, which is neutral and polar, with arginine, which is basic and polar, at codon 2642 of the COL12A1 protein (p.Thr2642Arg). This variant is not present in population databases (gnomAD no frequency). This variant has not been reported in the literature in individuals affected with COL12A1-related conditions. Advanced modeling of protein sequence and biophysical properties (such as structural, functional, and spatial information, amino acid conservation, physicochemical variation, residue mobility, and thermodynamic stability) performed at Invitae indicates that this missense variant is not expected to disrupt COL12A1 protein function. In summary, the available evidence is currently insufficient to determine the role of this variant in disease. Therefore, it has been classified as a Variant of Uncertain Significance.

NM_004370.6(COL12A1):c.7925C>G (p.Thr2642Arg)

Gene: COL12A1 (collagen type XII alpha 1 chain; minus strand). Cytogenetic location: 6q13.
Variant type: single nucleotide variant.
Coding change: c.7925C>G on transcript NM_004370.6 (MANE Select); coding-DNA position 7925, C replaced by G.
Protein change: p.Thr2642Arg; replaces threonine 2642 with arginine.
Molecular consequence: missense variant.
Genome position (GRCh38, 1-based): chr6:75,113,229, G>C on the plus strand (C>G on the coding strand, the complement: COL12A1 is on the minus strand). VCF-style: chr6-75113229-G-C. GRCh37 (hg19) VCF-style: chr6-75822945-G-C.
Other names: c.4433C>G, p.Thr1478Arg (NM_001424116.1, NM_080645.3); c.7925C>G, p.Thr2642Arg (NM_001424113.1); c.7904C>G, p.Thr2635Arg (NM_001424114.1); c.7652C>G, p.Thr2551Arg (NM_001424115.1); short protein forms T2635R, T1478R, T2551R, T2642R.
Identifiers: ClinVar variation 2952738 (VCV002952738.3), dbSNP rs1768919096, ClinGen allele CA364743455.
Genomic context (GRCh38, chr6:75,113,229, plus strand): 5'-CTAGAAATAAGACTCAAATAATCTTATGTTTTTACCTTGTGAAAACTTCCATAAAATAAT[G>C]TCTTTACTTCTTCTGTGTCAAATGTAACAGTTTGCACCTCGCCTCTTGTATCCTTGTTAA-3'
Protein context (NP_004361.3, residues 2632-2652): TVTFDTEEVK[Thr2642Arg]LFYGSFHKVH